The following is an entry in ClinVar:

ClinVar aggregate classification (germline): Uncertain significance (1 of 4 stars; one submission).

Submission:

GeneDx
Classification: Uncertain significance. Last evaluated: 2019-07-16. Review status: criteria provided, single submitter. Criteria: GeneDx Variant Classification Process June 2021. Collection method: clinical testing. Allele origin: germline. Affected: yes.
Comment: Not observed in large population cohorts (Lek et al., 2016); In-frame deletion of 1 amino acids in a non-repeat region; In silico analysis, which includes protein predictors and evolutionary conservation, supports a deleterious effect; Has not been previously published as pathogenic or benign to our knowledge

NM_000360.4(TH):c.220GAG[1] (p.Glu75del)

Gene: TH (tyrosine hydroxylase; minus strand). Cytogenetic location: 11p15.5.
Variant type: Microsatellite.
Coding change: c.220GAG[1] on transcript NM_000360.4 (MANE Select); one copy of the 3-base unit GAG starting at c.220; the reference has two copies in a row; one copy, 3 bases deleted.
Protein change: p.Glu75del; deletes glutamic acid 75.
Molecular consequence: inframe deletion.
Genome position (GRCh38, 1-based): chr11:2,169,737-2,169,739, CTC deleted on the plus strand (GAG on the coding strand, the reverse complement: TH is on the minus strand); deleting any 3 consecutive bases within chr11:2,169,737-2,169,742 gives the same sequence; the position shown is the placement nearest the transcript's 3' end. VCF-style (leftmost placement, unchanged base first): chr11-2169736-TCTC-T. GRCh37 (hg19) VCF-style: chr11-2190966-TCTC-T.
Other names: c.313GAG[1], p.Glu106del (NM_199292.3); c.301GAG[1], p.Glu102del (NM_199293.3); short protein forms E102del, E106del, E75del.
Identifiers: ClinVar variation 1303848 (VCV001303848.2), dbSNP rs2133699767, ClinGen allele CA2580615596.